The following is an entry in ClinVar:

ClinVar aggregate classification (germline): Uncertain significance. Review status: criteria provided, multiple submitters, no conflicts (2 of 4 stars). 2 submissions from 2 submitters: Uncertain significance (2). Last evaluated 2026-08-11.

Conditions:
Inborn genetic diseases. Identifiers: MedGen C0950123, MeSH D030342.
Mosaic variegated aneuploidy syndrome 1 (MVA1). Also called: Warburton-Anyane-Yeboa syndrome. Identifiers: Orphanet 1052, MedGen C1850343, MONDO:0009759, OMIM 257300.

Allele frequency attached by ClinVar (database versions not stated): gnomAD exomes 0.00001; ExAC 0.00001.
gnomAD v4.1: 9 of 1,614,218 alleles (0.00056%); highest among the groups gnomAD compares: South Asian, 0.0088%; no homozygotes.

Submissions (2):

Ambry Genetics
Classification: Uncertain significance for Inborn genetic diseases. Last evaluated: 2026-08-11. Review status: criteria provided, single submitter. Criteria: Ambry Variant Classification Scheme 2023. Collection method: clinical testing. Allele origin: germline.
Comment: The p.S665R variant (also known as c.1993A>C), located in coding exon 15 of the BUB1B gene, results from an A to C substitution at nucleotide position 1993. The serine at codon 665 is replaced by arginine, an amino acid with dissimilar properties. This amino acid position is conserved. In addition, this alteration is predicted to be tolerated by in silico analysis. Based on the available evidence, the clinical significance of this variant remains unclear.

Labcorp Genetics (formerly Invitae), Labcorp
Classification: Uncertain significance for Mosaic variegated aneuploidy syndrome 1. Last evaluated: 2020-01-23. Review status: criteria provided, single submitter. Criteria: Invitae Variant Classification Sherloc (09022015). Collection method: clinical testing. Allele origin: germline.
Comment: In summary, the available evidence is currently insufficient to determine the role of this variant in disease. Therefore, it has been classified as a Variant of Uncertain Significance. Algorithms developed to predict the effect of missense changes on protein structure and function are either unavailable or do not agree on the potential impact of this missense change (SIFT: "Tolerated"; PolyPhen-2: "Possibly Damaging"; Align-GVGD: "Class C0"). This variant has not been reported in the literature in individuals with BUB1B-related conditions. This variant is present in population databases (rs776731111, ExAC 0.006%). This sequence change replaces serine with arginine at codon 665 of the BUB1B protein (p.Ser665Arg). The serine residue is weakly conserved and there is a moderate physicochemical difference between serine and arginine.

NM_001211.6(BUB1B):c.1993A>C (p.Ser665Arg)

Gene: BUB1B (BUB1 mitotic checkpoint serine/threonine kinase B; plus strand). Cytogenetic location: 15q15.1.
Variant type: single nucleotide variant.
Coding change: c.1993A>C on transcript NM_001211.6 (MANE Select); coding-DNA position 1993, A replaced by C.
Protein change: p.Ser665Arg; replaces serine 665 with arginine.
Molecular consequence: missense variant.
Genome position (GRCh38, 1-based): chr15:40,206,442, A>C. VCF-style: chr15-40206442-A-C. GRCh37 (hg19) VCF-style: chr15-40498643-A-C.
Other names: c.1993A>C (NM_001211.5); short protein forms S665R.
Identifiers: ClinVar variation 1015567 (VCV001015567.49), dbSNP rs776731111, ClinGen allele CA7475913.
Genomic context (GRCh38, chr15:40,206,442, plus strand): 5'-GATGTAAAGACCTCTGAGGACCAGCAGACAGCTTGTGGCACTATCTACAGTCAGACTCTC[A>C]GCATCAAGAAGCTGAGGTGATTGGGGATTTACAGGTTTTACAAACCAGATTGTTTACTCT-3'
Protein context (NP_001202.5, residues 655-675): ACGTIYSQTL[Ser665Arg]IKKLSPIIED